The following is an entry in ClinVar:

NM_000051.4(ATM):c.7176G>T (p.Arg2392=)

Genes: ATM (ATM serine/threonine kinase; plus strand), C11orf65 (chromosome 11 open reading frame 65; minus strand). Cytogenetic location: 11q22.3.
Variant type: single nucleotide variant.
Coding change: c.7176G>T on transcript NM_000051.4 (MANE Select); coding-DNA position 7176, G replaced by T.
Protein change: p.Arg2392=; no amino-acid change (arginine 2392 retained).
Molecular consequence: synonymous variant. On other transcripts: intron variant (2).
Genome position (GRCh38, 1-based): chr11:108,329,107, G>T. VCF-style: chr11-108329107-G-T. GRCh37 (hg19) VCF-style: chr11-108199834-G-T.
Other names: c.7176G>T, p.Arg2392= (NM_001351834.2); c.641-20036C>A (NM_001330368.2); c.*38+6113C>A (NM_001351110.2).
Identifiers: ClinVar variation 3222742 (VCV003222742.1), dbSNP rs2547248428, ClinGen allele CA476676712.

ClinVar aggregate classification (germline): Uncertain significance (1 of 4 stars; one submission).

Conditions:
Hereditary cancer-predisposing syndrome. Also called: Tumor predisposition; Hereditary Cancer Syndrome; Hereditary neoplastic syndrome; Neoplastic Syndromes, Hereditary. Identifiers: Orphanet 140162, MedGen C0027672, MeSH D009386, MONDO:0015356.

Submission:

Ambry Genetics
Classification: Uncertain significance for Hereditary cancer-predisposing syndrome. Last evaluated: 2024-02-13. Review status: criteria provided, single submitter. Criteria: Ambry Variant Classification Scheme 2023. Collection method: clinical testing. Allele origin: germline.
Comment: The c.7176G>T variant (also known as p.R2392R), located in coding exon 48 of the ATM gene, results from a G to T substitution at nucleotide position 7176. This nucleotide substitution does not change the arginine amino acid at codon 2392. This nucleotide position is not well conserved in available vertebrate species. In silico splice site analysis predicts that this alteration will result in the creation or strengthening of a novel splice acceptor site. Based on the available evidence, the clinical significance of this alteration remains unclear.